The following is an entry in ClinVar:

ClinVar aggregate classification (germline): Uncertain significance (1 of 4 stars; one submission).

Conditions:
Wilson disease (WND). Also called: Wilson's disease. Identifiers: Orphanet 905, MedGen C0019202, MONDO:0010200, OMIM 277900. Disease mechanism: loss of function.

Allele frequency attached by ClinVar (database versions not stated): gnomAD exomes below 0.00001; gnomAD 0.00001; TOPMed 0.00001.
gnomAD v4.1: 3 of 1,614,100 alleles (0.00019%); highest among the groups gnomAD compares: African/African-American, 0.0013%; no homozygotes.

Submission:

All of Us Research Program, National Institutes of Health
Classification: Uncertain significance for Wilson disease. Last evaluated: 2023-05-04. Review status: criteria provided, single submitter. Criteria: ACMG Guidelines, 2015. Collection method: clinical testing. Allele origin: germline. Inheritance: Autosomal recessive inheritance. Observed: 1 variant allele, 1 heterozygote.
Comment: This missense variant replaces serine with asparagine at codon 738 of the ATP7B protein. Computational prediction suggests that this variant may not impact protein structure and function (internally defined REVEL score threshold <= 0.5, PMID: 27666373). To our knowledge, functional studies have not been reported for this variant. This variant has not been reported in individuals affected with Wilson disease in the literature. This variant has not been identified in the general population by the Genome Aggregation Database (gnomAD). The available evidence is insufficient to determine the role of this variant in disease conclusively. Therefore, this variant is classified as a Variant of Uncertain Significance.

This study involves interpretation of variants in research participants for the purpose of population health screening. Participant phenotype was not available at the time of variant classification. Additional details can be found in publication PMID: 35346344, PMCID: PMC8962531

NM_000053.4(ATP7B):c.2213G>A (p.Ser738Asn)

Gene: ATP7B (ATPase copper transporting beta; minus strand). Cytogenetic location: 13q14.3.
Variant type: single nucleotide variant.
Coding change: c.2213G>A on transcript NM_000053.4 (MANE Select); coding-DNA position 2213, G replaced by A.
Protein change: p.Ser738Asn; replaces serine 738 with asparagine.
Molecular consequence: missense variant. On other transcripts: intron variant (20).
Genome position (GRCh38, 1-based): chr13:51,958,453, C>T on the plus strand (G>A on the coding strand, the complement: ATP7B is on the minus strand). VCF-style: chr13-51958453-C-T. GRCh37 (hg19) VCF-style: chr13-52532589-C-T.
Other names: c.1880G>A, p.Ser627Asn (NM_001243182.2); c.1961G>A, p.Ser654Asn (NM_001330579.2, NM_001406540.1, NM_001406531.1 and 1 more transcripts); c.2213G>A, p.Ser738Asn (NM_001406511.1, NM_001406512.1, NM_001406513.1 and 7 more transcripts); c.2180G>A, p.Ser727Asn (NM_001406514.1); c.1784G>A, p.Ser595Asn (NM_001406539.1); c.1865G>A, p.Ser622Asn (NM_001406543.1); c.1870-846G>A (NM_001406541.1, NM_001005918.3, NM_001406546.1 and 1 more transcripts); c.2122-846G>A (NM_001406527.1, NM_001406528.1, NM_001406534.1 and 2 more transcripts); and 8 more; short protein forms S595N, S622N, S627N, S654N, S706N, S727N, S738N.
Identifiers: ClinVar variation 3075616 (VCV003075616.1), dbSNP rs1482473585, ClinGen allele CA388022648.